The following is an entry in ClinVar:

ClinVar aggregate classification (germline): Likely benign. Review status: criteria provided, multiple submitters, no conflicts (2 of 4 stars). 3 submissions from 3 submitters: Likely benign (3). Last evaluated 2026-08-01.

Conditions:
Hyperkalemic periodic paralysis. Also called: Gamstorp disease; Familial hyperkalemic periodic paralysis. Identifiers: Orphanet 682, MedGen C0238357, MONDO:0008224, OMIM 170500, HP:0007215.

Allele frequency attached by ClinVar (database versions not stated): gnomAD exomes 0.00005 and 0.00017; gnomAD 0.00006; ESP Exome Variant Server 0.00008; TOPMed 0.00009; ExAC 0.00017.
gnomAD v4.1: 78 of 1,613,876 alleles (0.0048%); highest among the groups gnomAD compares: Admixed American, 0.075%; no homozygotes.

Submissions (3):

CeGaT Center for Human Genetics Tuebingen
Classification: Likely benign. Last evaluated: 2026-08-01. Review status: criteria provided, single submitter. Criteria: CeGaT Center For Human Genetics Tuebingen Variant Classification Criteria Version 2. Collection method: clinical testing. Allele origin: germline. Affected: yes. Observed: 1 variant allele.
Comment: SCN4A: BP4, BP7

Labcorp Genetics (formerly Invitae), Labcorp
Classification: Likely benign for Hyperkalemic periodic paralysis. Last evaluated: 2025-11-16. Review status: criteria provided, single submitter. Criteria: Invitae Variant Classification Sherloc (09022015). Collection method: clinical testing. Allele origin: germline.

GeneDx
Classification: Likely benign. Last evaluated: 2018-12-11. Review status: criteria provided, single submitter. Criteria: GeneDx Variant Classification Process June 2021. Collection method: clinical testing. Allele origin: germline. Affected: yes.

NM_000334.4(SCN4A):c.4680G>A (p.Pro1560=)

Genes: SCN4A (sodium voltage-gated channel alpha subunit 4; minus strand), GH-LCR (growth hormone locus control region; plus strand). Cytogenetic location: 17q23.3.
Variant type: single nucleotide variant.
Coding change: c.4680G>A on transcript NM_000334.4 (MANE Select); coding-DNA position 4680, G replaced by A.
Protein change: p.Pro1560=; no amino-acid change (proline 1560 retained).
Molecular consequence: synonymous variant.
Genome position (GRCh38, 1-based): chr17:63,941,602, C>T on the plus strand (G>A on the coding strand, the complement: SCN4A is on the minus strand). VCF-style: chr17-63941602-C-T. GRCh37 (hg19) VCF-style: chr17-62018962-C-T.
Identifiers: ClinVar variation 508036 (VCV000508036.15), dbSNP rs370207597, ClinGen allele CA8708917.